The following is an entry in ClinVar:

NM_001369.3(DNAH5):c.2259+1G>T

Genes: DNAH5 (dynein axonemal heavy chain 5; minus strand), DNAH5-AS1 (DNAH5 antisense RNA 1; plus strand). Cytogenetic location: 5p15.2.
Variant type: single nucleotide variant.
Coding change: c.2259+1G>T on transcript NM_001369.3 (MANE Select); the canonical splice donor site of the intron after coding-DNA position 2259, G replaced by T.
Molecular consequence: splice donor variant.
Genome position (GRCh38, 1-based): chr5:13,900,205, C>A on the plus strand (G>T on the coding strand, the complement: DNAH5 is on the minus strand). VCF-style: chr5-13900205-C-A. GRCh37 (hg19) VCF-style: chr5-13900314-C-A.
Identifiers: ClinVar variation 3346856 (VCV003346856.1).

ClinVar aggregate classification (germline): Likely pathogenic (0 of 4 stars; one submission).

Conditions:
DNAH5-related disorder. Also called: DNAH5-related condition.

Submission:

PreventionGenetics, part of Exact Sciences
Classification: Likely pathogenic for DNAH5-related condition. Last evaluated: 2024-06-10. Review status: no assertion criteria provided. Collection method: clinical testing. Allele origin: germline.
Comment: The DNAH5 c.2259+1G>T variant is predicted to disrupt the GT donor site and interfere with normal splicing. To our knowledge, this variant has not been reported in the literature or in a large population database, indicating this variant is rare. Variants that disrupt the consensus splice donor site in DNAH5 are expected to be pathogenic. This variant is interpreted as likely pathogenic.